The following is an entry in ClinVar:

NM_058216.3(RAD51C):c.495G>A (p.Met165Ile)

Gene: RAD51C (RAD51 paralog C; plus strand). Cytogenetic location: 17q22.
Variant type: single nucleotide variant.
Coding change: c.495G>A on transcript NM_058216.3 (MANE Select); coding-DNA position 495, G replaced by A.
Protein change: p.Met165Ile; replaces methionine 165 with isoleucine.
Molecular consequence: missense variant.
Genome position (GRCh38, 1-based): chr17:58,696,783, G>A. VCF-style: chr17-58696783-G-A. GRCh37 (hg19) VCF-style: chr17-56774144-G-A.
Other names: short protein forms M165I.
Identifiers: ClinVar variation 664465 (VCV000664465.11), dbSNP rs1567788704, ClinGen allele CA400344869.

ClinVar aggregate classification (germline): Uncertain significance. Review status: criteria provided, multiple submitters, no conflicts (2 of 4 stars). 2 submissions from 2 submitters: Uncertain significance (2). Last evaluated 2022-03-31.

Conditions:
Hereditary cancer-predisposing syndrome. Also called: Neoplastic Syndromes, Hereditary; Hereditary neoplastic syndrome; Tumor predisposition; Hereditary Cancer Syndrome. Identifiers: Orphanet 140162, MedGen C0027672, MeSH D009386, MONDO:0015356.
Fanconi anemia complementation group O. Also called: RAD51C-Related Fanconi Anemia. Identifiers: Orphanet 84, MedGen C3150653, MONDO:0013248, OMIM 613390.

Submissions (2):

Ambry Genetics
Classification: Uncertain significance for Hereditary cancer-predisposing syndrome. Last evaluated: 2022-03-31. Review status: criteria provided, single submitter. Criteria: Ambry Variant Classification Scheme 2023. Collection method: clinical testing. Allele origin: germline.
Comment: The p.M165I variant (also known as c.495G>A), located in coding exon 3 of the RAD51C gene, results from a G to A substitution at nucleotide position 495. The methionine at codon 165 is replaced by isoleucine, an amino acid with highly similar properties. This amino acid position is conserved. In addition, this alteration is predicted to be tolerated by in silico analysis. Since supporting evidence is limited at this time, the clinical significance of this alteration remains unclear.

Labcorp Genetics (formerly Invitae), Labcorp
Classification: Uncertain significance for Fanconi anemia complementation group O. Last evaluated: 2022-01-28. Review status: criteria provided, single submitter. Criteria: Invitae Variant Classification Sherloc (09022015). Collection method: clinical testing. Allele origin: germline.
Comment: This variant is not present in population databases (gnomAD no frequency). This variant has not been reported in the literature in individuals affected with RAD51C-related conditions. ClinVar contains an entry for this variant (Variation ID: 664465). Algorithms developed to predict the effect of missense changes on protein structure and function (SIFT, PolyPhen-2, Align-GVGD) all suggest that this variant is likely to be tolerated. In summary, the available evidence is currently insufficient to determine the role of this variant in disease. Therefore, it has been classified as a Variant of Uncertain Significance. This sequence change replaces methionine, which is neutral and non-polar, with isoleucine, which is neutral and non-polar, at codon 165 of the RAD51C protein (p.Met165Ile).